The following is an entry in ClinVar:

NM_001414.4(EIF2B1):c.252+2T>G

Gene: EIF2B1 (eukaryotic translation initiation factor 2B subunit alpha; minus strand). Cytogenetic location: 12q24.31.
Variant type: single nucleotide variant.
Coding change: c.252+2T>G on transcript NM_001414.4 (MANE Select); the canonical splice donor site of the intron after coding-DNA position 252, T replaced by G.
Molecular consequence: splice donor variant.
Genome position (GRCh38, 1-based): chr12:123,630,395, A>C on the plus strand (T>G on the coding strand, the complement: EIF2B1 is on the minus strand). VCF-style: chr12-123630395-A-C. GRCh37 (hg19) VCF-style: chr12-124114942-A-C.
Identifiers: ClinVar variation 2764312 (VCV002764312.3), dbSNP rs2541676016, ClinGen allele CA387145656.

ClinVar aggregate classification (germline): Likely pathogenic (1 of 4 stars; one submission).

Submission:

Labcorp Genetics (formerly Invitae), Labcorp
Classification: Likely pathogenic. Last evaluated: 2023-09-29. Review status: criteria provided, single submitter. Criteria: Invitae Variant Classification Sherloc (09022015). Collection method: clinical testing. Allele origin: germline.
Comment: In summary, the currently available evidence indicates that the variant is pathogenic, but additional data are needed to prove that conclusively. Therefore, this variant has been classified as Likely Pathogenic. Algorithms developed to predict the effect of sequence changes on RNA splicing suggest that this variant may disrupt the consensus splice site. Disruption of this splice site has been observed in individual(s) with leukoencephalopathy with vanishing white matter (PMID: 11835386). This variant is not present in population databases (gnomAD no frequency). This sequence change affects a donor splice site in intron 3 of the EIF2B1 gene. It is expected to disrupt RNA splicing. Variants that disrupt the donor or acceptor splice site typically lead to a loss of protein function (PMID: 16199547), and loss-of-function variants in EIF2B1 are known to be pathogenic (PMID: 11835386, 32865661).

Literature cited by the submitters: PubMed 11835386; PubMed 16199547; PubMed 32865661.